The following is an entry in ClinVar:

ClinVar aggregate classification (germline): Uncertain significance (1 of 4 stars; one submission).

Conditions:
Inborn genetic diseases. Identifiers: MedGen C0950123, MeSH D030342.

Submission:

Ambry Genetics
Classification: Uncertain significance for Inborn genetic diseases. Last evaluated: 2024-05-13. Review status: criteria provided, single submitter. Criteria: Ambry Variant Classification Scheme 2023. Collection method: clinical testing. Allele origin: germline.
Comment: The c.524T>C (p.L175P) alteration is located in exon 6 (coding exon 6) of the U2AF2 gene. This alteration results from a T to C substitution at nucleotide position 524, causing the leucine (L) at amino acid position 175 to be replaced by a proline (P). This variant was not reported in population-based cohorts in the Genome Aggregation Database (gnomAD). This variant has been determined to be the result of a de novo mutation in one individual with features consistent with U2AF2-related neurodevelopmental disorder (Li, 2024). This amino acid position is highly conserved in available vertebrate species. This missense alteration is located in a region that has a low rate of benign missense variation (Lek, 2016; Firth, 2009). The in silico prediction for this alteration is inconclusive. Based on insufficient or conflicting evidence, the clinical significance of this alteration remains unclear.

Literature cited by the submitters: PubMed 37962958.

NM_007279.3(U2AF2):c.524T>C (p.Leu175Pro)

Gene: U2AF2 (U2 small nuclear RNA auxiliary factor 2; plus strand). Cytogenetic location: 19q13.42.
Variant type: single nucleotide variant.
Coding change: c.524T>C on transcript NM_007279.3 (MANE Select); coding-DNA position 524, T replaced by C.
Protein change: p.Leu175Pro; replaces leucine 175 with proline.
Molecular consequence: missense variant.
Genome position (GRCh38, 1-based): chr19:55,662,539, T>C. VCF-style: chr19-55662539-T-C. GRCh37 (hg19) VCF-style: chr19-56173905-T-C.
Other names: c.524T>C, p.Leu175Pro (NM_001012478.2); short protein forms L175P.
Identifiers: ClinVar variation 3330458 (VCV003330458.1).